The following is an entry in ClinVar:

NM_001267550.2(TTN):c.30476del (p.Ala10159fs)

Gene: TTN (titin; minus strand). Cytogenetic location: 2q31.2.
Variant type: Deletion.
Coding change: c.30476del on transcript NM_001267550.2 (MANE Select); coding-DNA position 30476, one base deleted (C; older notation c.30476delC).
Protein change: p.Ala10159fs; shifts the reading frame from alanine 10159.
Molecular consequence: frameshift variant. On other transcripts: intron variant (3).
Genome position (GRCh38, 1-based): chr2:178,702,203, G deleted on the plus strand (C on the coding strand, the reverse complement: TTN is on the minus strand). VCF-style (leftmost placement, unchanged base first): chr2-178702202-TG-T. GRCh37 (hg19) VCF-style: chr2-179566929-TG-T.
Other names: c.30476del (NM_001267550.1); c.29525del, p.Ala9842fs (NM_001256850.1); c.26744del, p.Ala8915fs (NM_133378.4); c.13282+35879del (NM_003319.4); c.13858+35879del (NM_133437.4); c.13657+35879del (NM_133432.3); short protein forms A8915fs, A10159fs, A9842fs.
Identifiers: ClinVar variation 1471383 (VCV001471383.9), dbSNP rs2154289805, ClinGen allele CA2573133899.

ClinVar aggregate classification (germline): Conflicting classifications of pathogenicity. Review status: criteria provided, conflicting classifications (1 of 4 stars). 2 submissions from 2 submitters: Likely pathogenic (1); Uncertain significance (1). Last evaluated 2024-10-18.

Conditions:
Dilated cardiomyopathy 1G (CMD1G). Identifiers: Orphanet 154, MedGen C1858763, MONDO:0011400, OMIM 604145.
Autosomal recessive limb-girdle muscular dystrophy type 2J (LGMDR10). Also called: Limb-girdle muscular dystrophy, type 2J; MUSCULAR DYSTROPHY, LIMB-GIRDLE, AUTOSOMAL RECESSIVE 10. Identifiers: Orphanet 140922, MedGen C1837342, MONDO:0012127, OMIM 608807.

Submissions (2):

Labcorp Genetics (formerly Invitae), Labcorp
Classification: Likely pathogenic for Dilated cardiomyopathy 1G; Autosomal recessive limb-girdle muscular dystrophy type 2J. Last evaluated: 2024-10-18. Review status: criteria provided, single submitter. Criteria: Invitae Variant Classification Sherloc (09022015). Collection method: clinical testing. Allele origin: germline.
Comment: This sequence change creates a premature translational stop signal (p.Ala10159Glufs*9) in the TTN gene. While this is not anticipated to result in nonsense mediated decay, it is expected to create a truncated TTN protein. This variant is not present in population databases (gnomAD no frequency). This variant has not been reported in the literature in individuals affected with TTN-related conditions. ClinVar contains an entry for this variant (Variation ID: 1471383). This variant is located in the I band of TTN (PMID: 25589632). Truncating variants in this region have been reported in individuals affected with autosomal recessive centronuclear myopathy (PMID: 23975875, internal data). Truncating variants in this region have also been identified in individuals affected with autosomal dominant dilated cardiomyopathy and/or cardio-related conditions (PMID: 27869827, 32964742, internal data). In summary, the currently available evidence indicates that the variant is pathogenic, but additional data are needed to prove that conclusively. Therefore, this variant has been classified as Likely Pathogenic.

GeneDx
Classification: Uncertain significance. Last evaluated: 2024-03-14. Review status: criteria provided, single submitter. Criteria: GeneDx Variant Classification Process June 2021. Collection method: clinical testing. Allele origin: germline. Affected: yes.
Comment: Frameshift variant predicted to result in protein truncation or nonsense mediated decay in a region of a gene for which loss of function is not a well-established mechanism of disease; Not observed at significant frequency in large population cohorts (gnomAD); Has not been previously published as pathogenic or benign to our knowledge

Literature cited by the submitters: PubMed 25589632 (cited by Labcorp Genetics (formerly Invitae), Labcorp); PubMed 23975875 (cited by Labcorp Genetics (formerly Invitae), Labcorp); PubMed 27869827 (cited by Labcorp Genetics (formerly Invitae), Labcorp); PubMed 32964742 (cited by Labcorp Genetics (formerly Invitae), Labcorp).